The following is an entry in ClinVar:

ClinVar aggregate classification (germline): Conflicting classifications of pathogenicity. Review status: criteria provided, conflicting classifications (1 of 4 stars). 4 submissions from 4 submitters: Pathogenic (1); Likely pathogenic (1); Uncertain significance (1). 1 of the submissions does not count toward it. Last evaluated 2026-07-22.

Conditions:
RYR1-related disorder. Also called: RYR1-related condition; RYR1-related disorders. Identifiers: MedGen CN239331.
Multiminicore myopathy. Identifiers: Orphanet 598, MedGen C0270962, MONDO:0018948.
Congenital multicore myopathy with external ophthalmoplegia (CMYO1B). Also called: MULTICORE MYOPATHY; Minicore myopathy with external ophthalmoplegia; MULTIMINICORE DISEASE WITH EXTERNAL OPHTHALMOPLEGIA; Congenital myopathy 1B, autosomal recessive; Minicore myopathy. Identifiers: Orphanet 598, Orphanet 98905, MedGen C1850674, MONDO:0009712, OMIM 255320, HP:0003789.

Allele frequency attached by ClinVar (database versions not stated): gnomAD exomes below 0.00001 and 0.00001; TOPMed below 0.00001; ExAC 0.00002; ESP Exome Variant Server 0.00008.
gnomAD v4.1: 1 of 1,613,988 alleles (0.000062%); highest among the groups gnomAD compares: Non-Finnish European, 0.000085%; no homozygotes.

Submissions (4):

GeneDx
Classification: Likely pathogenic. Last evaluated: 2026-07-22. Review status: criteria provided, single submitter. Criteria: GeneDx Variant Classification Process June 2021. Collection method: clinical testing. Allele origin: germline.
Comment: Previously reported in two siblings with multiminicore disease who had a second RYR1 likely pathogenic variant; however, segregation analysis was not performed in this family (PMID: 23919265); Not observed at significant frequency in large population cohorts (gnomAD); In silico analysis supports that this missense variant has a deleterious effect on protein structure/function; This variant is associated with the following publications: (PMID: 25637381, 23919265)

Prenatal Diagnosis Unit, University Medical Center at Ho Chi Minh City, University of Medicine and Pharmacy at Ho Chi Minh City
Classification: Pathogenic for Congenital multicore myopathy with external ophthalmoplegia. Last evaluated: 2026-01-08. Review status: criteria provided, single submitter. Criteria: ACMG Guidelines, 2015. Collection method: provider interpretation. Allele origin: maternal. Inheritance: Autosomal recessive inheritance. Affected: yes. Observed: 1 variant allele.
Comment: In silico prediction tools, including PolyPhen-2 and PhyloP100, suggest a deleterious effect of this missense change. Missense variants in RYR1 gene are a common mechanism of congenital myopathy with a missense constraint Z score is 4.01. In conclusion, this variant is classified as a pathogenic variant according to the ACMG/AMP 2015 guidelines, based on criteria PS1, PM2, PM3, PP2, PP3, PP4

PreventionGenetics, part of Exact Sciences
Classification: Uncertain significance for RYR1-related condition. Last evaluated: 2025-11-24. Review status: criteria provided, single submitter. Criteria: ACMG Guidelines, 2015. Collection method: clinical testing. Allele origin: germline.
Comment: The RYR1 c.2119G>A variant is predicted to result in the amino acid substitution p.Gly707Ser. This variant has been reported with another RYR1 variant in individuals with multiminiocre disease, however segregation studies were not performed (Additional Data, Amburgey et al. 2013. PubMed ID: 23919265). This variant is reported in 0.0018% of alleles in individuals of European (Non-Finnish) descent in gnomAD. At this time, the clinical significance of this variant is uncertain due to the absence of conclusive functional and genetic evidence.

CSER _CC_NCGL, University of Washington
Classification: Uncertain significance for Multi-minicore disease. Last evaluated: 2014-06-01. Review status: no assertion criteria provided. Collection method: research. Allele origin: germline. Inheritance: Autosomal dominant inheritance. Study: ESP 6500 variant annotation. Not counted in ClinVar's aggregate classification.
Comment: Variants classified for the Actionable exomic incidental findings in 6503 participants: challenges of variant classification manuscript

Literature cited by the submitters: PubMed 23919265 (cited by Prenatal Diagnosis Unit, University Medical Center at Ho Chi Minh City, University of Medicine and Pharmacy at Ho Chi Minh City).

NM_000540.3(RYR1):c.2119G>A (p.Gly707Ser)

Gene: RYR1 (ryanodine receptor 1; plus strand). Cytogenetic location: 19q13.2.
Variant type: single nucleotide variant.
Coding change: c.2119G>A on transcript NM_000540.3 (MANE Select); coding-DNA position 2119, G replaced by A.
Protein change: p.Gly707Ser; replaces glycine 707 with serine.
Molecular consequence: missense variant.
Genome position (GRCh38, 1-based): chr19:38,458,244, G>A. VCF-style: chr19-38458244-G-A. GRCh37 (hg19) VCF-style: chr19-38948884-G-A.
Other names: c.2119G>A, p.Gly707Ser (NM_001042723.2); short protein forms G707S.
Identifiers: ClinVar variation 161368 (VCV000161368.5), dbSNP rs376526576, ClinGen allele CA024327.